The following is an entry in ClinVar:

ClinVar aggregate classification (germline): Uncertain significance (1 of 4 stars; one submission).

gnomAD v4.1: 6 of 1,613,306 alleles (0.00037%); highest among the groups gnomAD compares: Non-Finnish European, 0.00051%; no homozygotes.

Submission:

Labcorp Genetics (formerly Invitae), Labcorp
Classification: Uncertain significance. Last evaluated: 2025-04-22. Review status: criteria provided, single submitter. Criteria: Invitae Variant Classification Sherloc (09022015). Collection method: clinical testing. Allele origin: germline.
Comment: This sequence change replaces serine, which is neutral and polar, with asparagine, which is neutral and polar, at codon 1644 of the NALCN protein (p.Ser1644Asn). This variant is present in population databases (rs770174360, gnomAD 0.002%). This variant has not been reported in the literature in individuals affected with NALCN-related conditions. Invitae Evidence Modeling of protein sequence and biophysical properties (such as structural, functional, and spatial information, amino acid conservation, physicochemical variation, residue mobility, and thermodynamic stability) indicates that this missense variant is not expected to disrupt NALCN protein function with a negative predictive value of 80%. In summary, the available evidence is currently insufficient to determine the role of this variant in disease. Therefore, it has been classified as a Variant of Uncertain Significance.

NM_052867.4(NALCN):c.4931G>A (p.Ser1644Asn)

Genes: NALCN (sodium leak channel, non-selective; minus strand), NALCN-AS1 (NALCN antisense RNA 1; plus strand). Cytogenetic location: 13q32.3.
Variant type: single nucleotide variant.
Coding change: c.4931G>A on transcript NM_052867.4 (MANE Select); coding-DNA position 4931, G replaced by A.
Protein change: p.Ser1644Asn; replaces serine 1644 with asparagine.
Molecular consequence: missense variant. On other transcripts: non-coding transcript variant (1).
Genome position (GRCh38, 1-based): chr13:101,058,031, C>T on the plus strand (G>A on the coding strand, the complement: NALCN is on the minus strand). VCF-style: chr13-101058031-C-T. GRCh37 (hg19) VCF-style: chr13-101710383-C-T.
Other names: c.5018G>A, p.Ser1673Asn (NM_001350748.2); c.4931G>A, p.Ser1644Asn (NM_001350749.2); c.4844G>A, p.Ser1615Asn (NM_001350750.2, NM_001350751.2); short protein forms S1615N, S1644N, S1673N.
Identifiers: ClinVar variation 4701226 (VCV004701226.1).